The following is an entry in ClinVar:

NM_020366.4(RPGRIP1):c.2215+7G>A

Gene: RPGRIP1 (RPGR interacting protein 1; plus strand). Cytogenetic location: 14q11.2.
Variant type: single nucleotide variant.
Coding change: c.2215+7G>A on transcript NM_020366.4 (MANE Select); 7 bases into the intron after coding-DNA position 2215, G replaced by A.
Molecular consequence: intron variant.
Genome position (GRCh38, 1-based): chr14:21,325,077, G>A. VCF-style: chr14-21325077-G-A. GRCh37 (hg19) VCF-style: chr14-21793236-G-A.
Other names: c.1141+7G>A (NM_001377948.1); c.796+352G>A (NM_001377949.1); c.689-2546G>A (NM_001377523.1, NM_001377950.1); c.191-2546G>A (NM_001377951.1).
Identifiers: ClinVar variation 261227 (VCV000261227.20), dbSNP rs7157052, ClinGen allele CA7089182.
Genomic context (GRCh38, chr14:21,325,077, plus strand): 5'-TTGACAGGGTGCTAGAGACTGTGGAGAAAGTCCATGGCTTGGCCACACTGATTGGTAAGT[G>A]CCGTTGGCTTCCTGCGGCTCCTAAGCACCAATGCAGAATTTCCCAAAGCCTACAGTTGCT-3'

ClinVar aggregate classification (germline): Benign/Likely benign. Review status: criteria provided, multiple submitters, no conflicts (2 of 4 stars). 9 submissions from 8 submitters: Benign (6); Likely benign (1). 2 of the submissions do not count toward it. Last evaluated 2026-02-04.

Conditions:
Leber congenital amaurosis 6 (LCA6). Identifiers: Orphanet 65, MedGen C1854260, MONDO:0013446, OMIM 613826.
Cone-rod dystrophy 13 (CORD13). Identifiers: Orphanet 1872, MedGen C2750720, MONDO:0011987, OMIM 608194.

Allele frequency attached by ClinVar (database versions not stated): 1000 Genomes Project 0.14517; 1000 Genomes Project 30x 0.14631; TOPMed 0.18503; gnomAD exomes 0.19120 and 0.21707; gnomAD 0.19638 and 0.19970; ExAC 0.19714; ESP Exome Variant Server 0.21419.
gnomAD v4.1: 343,561 of 1,599,062 alleles (21%); highest among the groups gnomAD compares: Non-Finnish European, 23%; 38,971 homozygotes.

Submissions (9):

Labcorp Genetics (formerly Invitae), Labcorp
Classification: Benign for Leber congenital amaurosis 6; Cone-rod dystrophy 13. Last evaluated: 2026-02-04. Review status: criteria provided, single submitter. Criteria: Invitae Variant Classification Sherloc (09022015). Collection method: clinical testing. Allele origin: germline.

Blueprint Genetics
Classification: Likely benign. Last evaluated: 2024-11-28. Review status: criteria provided, single submitter. Criteria: ACMG Guidelines, 2015. Collection method: clinical testing. Allele origin: germline.

Illumina Laboratory Services, Illumina
Classification: Benign for Leber congenital amaurosis 6. Last evaluated: 2018-01-13. Review status: criteria provided, single submitter. Criteria: ICSL Variant Classification Criteria 13 December 2019. Collection method: clinical testing. Allele origin: germline.
Comment: This variant was observed in the ICSL laboratory as part of a predisposition screen in an ostensibly healthy population. It had not been previously curated by ICSL or reported in the Human Gene Mutation Database (HGMD: prior to June 1st, 2018), and was therefore a candidate for classification through an automated scoring system. Utilizing variant allele frequency, disease prevalence and penetrance estimates, and inheritance mode, an automated score was calculated to assess if this variant is too frequent to cause the disease. Based on the score and internal cut-off values, a variant classified as benign is not then subjected to further curation. The score for this variant resulted in a classification of benign for this disease.

Illumina Laboratory Services, Illumina
Classification: Benign for Cone-rod dystrophy 13. Last evaluated: 2018-01-13. Review status: criteria provided, single submitter. Criteria: ICSL Variant Classification Criteria 13 December 2019. Collection method: clinical testing. Allele origin: germline.
Comment: the same text as in the submission from Illumina Laboratory Services, Illumina above.

GeneDx
Classification: Benign. Last evaluated: 2015-03-03. Review status: criteria provided, single submitter. Criteria: GeneDx Variant Classification Process June 2021. Collection method: clinical testing. Allele origin: germline. Affected: yes.

Breakthrough Genomics
Classification: Benign. Review status: criteria provided, single submitter. Criteria: ACMG Guidelines, 2015. Collection method: not provided. Allele origin: germline. Inheritance: Autosomal recessive inheritance. Affected: yes.

PreventionGenetics, part of Exact Sciences
Classification: Benign. Review status: criteria provided, single submitter. Criteria: ACMG Guidelines, 2015. Collection method: clinical testing. Allele origin: germline.

Clinical Genetics DNA and cytogenetics Diagnostics Lab, Erasmus MC, Erasmus Medical Center
Classification: Benign. Review status: no assertion criteria provided. Collection method: clinical testing. Allele origin: germline. Affected: yes. Study: VKGL Data-share Consensus. Not counted in ClinVar's aggregate classification.

Joint Genome Diagnostic Labs from Nijmegen and Maastricht, Radboudumc and MUMC+
Classification: Benign. Review status: no assertion criteria provided. Collection method: clinical testing. Allele origin: germline. Affected: yes. Study: VKGL Data-share Consensus. Not counted in ClinVar's aggregate classification.